The following is an entry in ClinVar:

NM_152384.3(BBS5):c.259-1G>A

Gene: BBS5 (Bardet-Biedl syndrome 5; plus strand). Cytogenetic location: 2q31.1.
Variant type: single nucleotide variant.
Coding change: c.259-1G>A on transcript NM_152384.3 (MANE Select); the canonical splice acceptor site of the intron before coding-DNA position 259, G replaced by A.
Molecular consequence: splice acceptor variant.
Genome position (GRCh38, 1-based): chr2:169,487,986, G>A. VCF-style: chr2-169487986-G-A. GRCh37 (hg19) VCF-style: chr2-170344496-G-A.
Identifiers: ClinVar variation 2744571 (VCV002744571.3), dbSNP rs2468037280, ClinGen allele CA349161756.

ClinVar aggregate classification (germline): Likely pathogenic (1 of 4 stars; one submission).

Conditions:
Bardet-Biedl syndrome (BBS). Identifiers: Orphanet 110, MedGen C0752166, MONDO:0015229.

Submission:

Labcorp Genetics (formerly Invitae), Labcorp
Classification: Likely pathogenic for Bardet-Biedl syndrome. Last evaluated: 2023-07-17. Review status: criteria provided, single submitter. Criteria: Invitae Variant Classification Sherloc (09022015). Collection method: clinical testing. Allele origin: germline.
Comment: In summary, the currently available evidence indicates that the variant is pathogenic, but additional data are needed to prove that conclusively. Therefore, this variant has been classified as Likely Pathogenic. Algorithms developed to predict the effect of sequence changes on RNA splicing suggest that this variant may disrupt the consensus splice site. This variant has not been reported in the literature in individuals affected with BBS5-related conditions. This variant is not present in population databases (gnomAD no frequency). This sequence change affects an acceptor splice site in intron 4 of the BBS5 gene. It is expected to disrupt RNA splicing. Variants that disrupt the donor or acceptor splice site typically lead to a loss of protein function (PMID: 16199547), and loss-of-function variants in BBS5 are known to be pathogenic (PMID: 15137946, 16877420, 26325687, 27708425, 28041643, 29806606).

Literature cited by the submitters: PubMed 16199547; PubMed 15137946; PubMed 16877420; PubMed 26325687; PubMed 27708425; PubMed 28041643; PubMed 29806606.